The following is an entry in ClinVar:

ClinVar aggregate classification (germline): Likely benign (1 of 4 stars; one submission).

Submission:

CeGaT Center for Human Genetics Tuebingen
Classification: Likely benign. Last evaluated: 2026-06-01. Review status: criteria provided, single submitter. Criteria: CeGaT Center For Human Genetics Tuebingen Variant Classification Criteria Version 2. Collection method: clinical testing. Allele origin: germline. Affected: yes. Observed: 6 variant alleles.
Comment: VPS13B: PM2:Supporting, BP4, BP7

NM_152564.5(VPS13B):c.663A>T (p.Ile221=)

Gene: VPS13B (vacuolar protein sorting 13 homolog B; plus strand). Cytogenetic location: 8q22.2.
Variant type: single nucleotide variant.
Coding change: c.663A>T on transcript NM_152564.5 (MANE Select); coding-DNA position 663, A replaced by T.
Protein change: p.Ile221=; no amino-acid change (isoleucine 221 retained).
Molecular consequence: synonymous variant. On other transcripts: non-coding transcript variant (1).
Genome position (GRCh38, 1-based): chr8:99,111,180, A>T. VCF-style: chr8-99111180-A-T. GRCh37 (hg19) VCF-style: chr8-100123408-A-T.
Other names: c.663A>T, p.Ile221= (NM_015243.3, NM_017890.5, NM_181661.3).
Identifiers: ClinVar variation 4681521 (VCV004681521.5).